The following is an entry in ClinVar:

ClinVar aggregate classification (germline): Pathogenic (1 of 4 stars; one submission).

Conditions:
Meckel-Gruber syndrome. Also called: GRUBER SYNDROME; DYSENCEPHALIA SPLANCHNOCYSTICA; Dysencephalia splachnocystica. Identifiers: Orphanet 564, MedGen C0265215, MONDO:0018921.
Joubert syndrome. Also called: Familial aplasia of the vermis; JOUBERT-BOLTSHAUSER SYNDROME; CEREBELLOPARENCHYMAL DISORDER IV. Identifiers: Orphanet 475, MedGen C5979921, MONDO:0018772.

Submission:

Labcorp Genetics (formerly Invitae), Labcorp
Classification: Pathogenic for Joubert syndrome; Meckel-Gruber syndrome. Last evaluated: 2026-01-14. Review status: criteria provided, single submitter. Criteria: Invitae Variant Classification Sherloc (09022015). Collection method: clinical testing. Allele origin: germline.
Comment: This sequence change creates a premature translational stop signal (p.Gln1170Asnfs*37) in the RPGRIP1L gene. It is expected to result in an absent or disrupted protein product. Loss-of-function variants in RPGRIP1L are known to be pathogenic (PMID: 17558409). This variant is present in population databases (no rsID available, gnomAD 0.0009%). This variant has not been reported in the literature in individuals affected with RPGRIP1L-related conditions. For these reasons, this variant has been classified as Pathogenic.

Literature cited by the submitters: PubMed 17558409.

NM_015272.5(RPGRIP1L):c.3508del (p.Gln1170fs)

Gene: RPGRIP1L (RPGRIP1 like; minus strand). Cytogenetic location: 16q12.2.
Variant type: Deletion.
Coding change: c.3508del on transcript NM_015272.5 (MANE Select); coding-DNA position 3508, one base deleted (C; older notation c.3508delC).
Protein change: p.Gln1170fs; shifts the reading frame from glutamine 1170.
Molecular consequence: frameshift variant.
Genome position (GRCh38, 1-based): chr16:53,619,133, G deleted on the plus strand (C on the coding strand, the reverse complement: RPGRIP1L is on the minus strand); the first of 2 consecutive G bases (chr16:53,619,133-53,619,134); deleting either gives the same sequence. VCF-style (leftmost placement, unchanged base first): chr16-53619132-TG-T. GRCh37 (hg19) VCF-style: chr16-53653044-TG-T.
Other names: c.3406del, p.Gln1136fs (NM_001330538.2); c.3268del, p.Gln1090fs (NM_001127897.4); c.3370del, p.Gln1124fs (NM_001308334.3); short protein forms Q1124fs, Q1136fs, Q1170fs, Q1090fs.
Identifiers: ClinVar variation 4790892 (VCV004790892.1).